The following is an entry in ClinVar:

ClinVar aggregate classification (germline): Uncertain significance (1 of 4 stars; one submission).

Conditions:
Inborn genetic diseases. Identifiers: MedGen C0950123, MeSH D030342.

Submission:

Ambry Genetics
Classification: Uncertain significance for Inborn genetic diseases. Last evaluated: 2025-07-17. Review status: criteria provided, single submitter. Criteria: Ambry Variant Classification Scheme 2023. Collection method: clinical testing. Allele origin: germline.
Comment: The p.E141K variant (also known as c.421G>A), located in coding exon 1 of the SAMD9 gene, results from a G to A substitution at nucleotide position 421. The glutamic acid at codon 141 is replaced by lysine, an amino acid with similar properties. This amino acid position is conserved. In addition, this alteration is predicted to be tolerated by in silico analysis. Based on the available evidence, the clinical significance of this variant remains unclear.

NM_017654.4(SAMD9):c.421G>A (p.Glu141Lys)

Gene: SAMD9 (sterile alpha motif domain containing 9; minus strand). Cytogenetic location: 7q21.2.
Variant type: single nucleotide variant.
Coding change: c.421G>A on transcript NM_017654.4 (MANE Select); coding-DNA position 421, G replaced by A.
Protein change: p.Glu141Lys; replaces glutamic acid 141 with lysine.
Molecular consequence: missense variant.
Genome position (GRCh38, 1-based): chr7:93,105,677, C>T on the plus strand (G>A on the coding strand, the complement: SAMD9 is on the minus strand). VCF-style: chr7-93105677-C-T. GRCh37 (hg19) VCF-style: chr7-92734990-C-T.
Other names: c.421G>A, p.Glu141Lys (NM_001193307.2); short protein forms E141K.
Identifiers: ClinVar variation 4159087 (VCV004159087.1).